The following is an entry in ClinVar:

ClinVar aggregate classification (germline): Uncertain significance (1 of 4 stars; one submission).

Conditions:
Early-infantile DEE. Also called: Early infantile epileptic encephalopathy; Early infantile epileptic encephalopathy with suppression bursts; Ohtahara syndrome. Identifiers: Orphanet 1934, MedGen C0393706, MONDO:0800491.

Submission:

Labcorp Genetics (formerly Invitae), Labcorp
Classification: Uncertain significance for Early-infantile DEE. Last evaluated: 2023-02-28. Review status: criteria provided, single submitter. Criteria: Invitae Variant Classification Sherloc (09022015). Collection method: clinical testing. Allele origin: germline.
Comment: This variant is not present in population databases (gnomAD no frequency). In summary, the available evidence is currently insufficient to determine the role of this variant in disease. Therefore, it has been classified as a Variant of Uncertain Significance. Advanced modeling of protein sequence and biophysical properties (such as structural, functional, and spatial information, amino acid conservation, physicochemical variation, residue mobility, and thermodynamic stability) has been performed at Invitae for this missense variant, however the output from this modeling did not meet the statistical confidence thresholds required to predict the impact of this variant on SCN1A protein function. This variant has not been reported in the literature in individuals affected with SCN1A-related conditions. This sequence change replaces glutamic acid, which is acidic and polar, with lysine, which is basic and polar, at codon 181 of the SCN1A protein (p.Glu181Lys).

NM_001165963.4(SCN1A):c.541G>A (p.Glu181Lys)

Gene: SCN1A (sodium voltage-gated channel alpha subunit 1; minus strand). Cytogenetic location: 2q24.3.
Variant type: single nucleotide variant.
Coding change: c.541G>A on transcript NM_001165963.4 (MANE Select); coding-DNA position 541, G replaced by A.
Protein change: p.Glu181Lys; replaces glutamic acid 181 with lysine.
Molecular consequence: missense variant. On other transcripts: 5 prime UTR variant (1), non-coding transcript variant (1).
Genome position (GRCh38, 1-based): chr2:166,054,699, C>T on the plus strand (G>A on the coding strand, the complement: SCN1A is on the minus strand). VCF-style: chr2-166054699-C-T. GRCh37 (hg19) VCF-style: chr2-166911209-C-T.
Other names: c.541G>A, p.Glu181Lys (NM_001165964.3, NM_001202435.3, NM_001353948.2 and 10 more transcripts); c.-1885G>A (NM_001353961.2); short protein forms E181K.
Identifiers: ClinVar variation 2841606 (VCV002841606.3), dbSNP rs1553551431, ClinGen allele CA349075488.